The following is an entry in ClinVar:

NM_004444.5(EPHB4):c.805C>T (p.Arg269Ter)

Gene: EPHB4 (EPH receptor B4; minus strand). Cytogenetic location: 7q22.1.
Variant type: single nucleotide variant.
Coding change: c.805C>T on transcript NM_004444.5 (MANE Select); coding-DNA position 805, C replaced by T.
Protein change: p.Arg269Ter; replaces arginine 269 with a stop codon.
Molecular consequence: nonsense.
Genome position (GRCh38, 1-based): chr7:100,822,274, G>A on the plus strand (C>T on the coding strand, the complement: EPHB4 is on the minus strand). VCF-style: chr7-100822274-G-A. GRCh37 (hg19) VCF-style: chr7-100419896-G-A.
Other names: short protein forms R269*.
Identifiers: ClinVar variation 993753 (VCV000993753.16), dbSNP rs1049858988, ClinGen allele CA368579521.
Genomic context (GRCh38, chr7:100,822,274, plus strand): 5'-GAGTTCAGGACTCTCCCCCGGATGAGCAGCAGTCGCAGGGGAAGCTCCAGCTCTCACCTC[G>A]GCACTTGGTGTTCCCCTCAGCTGCCTCGAACCCCGGAGCACAGCTGCAGCCCGTGACCGG-3'

ClinVar aggregate classification (germline): Pathogenic/Likely pathogenic. Review status: criteria provided, multiple submitters, no conflicts (2 of 4 stars). 5 submissions from 5 submitters: Pathogenic (3); Likely pathogenic (2). Last evaluated 2024-04-23.

Conditions:
EPHB4-related disorder. Also called: EPHB4-related condition; EPHB4-related disorders.

gnomAD v4.1: 2 of 1,559,128 alleles (0.00013%); highest among the groups gnomAD compares: Admixed American, 0.0019%; no homozygotes.

Submissions (5):

GeneDx
Classification: Likely pathogenic. Last evaluated: 2024-04-23. Review status: criteria provided, single submitter. Criteria: GeneDx Variant Classification Process June 2021. Collection method: clinical testing. Allele origin: germline. Affected: yes.
Comment: Nonsense variant predicted to result in protein truncation or nonsense mediated decay in a gene for which loss of function is a known mechanism of disease; Has not been previously published as pathogenic or benign to our knowledge

Labcorp Genetics (formerly Invitae), Labcorp
Classification: Pathogenic. Last evaluated: 2023-10-22. Review status: criteria provided, single submitter. Criteria: Invitae Variant Classification Sherloc (09022015). Collection method: clinical testing. Allele origin: germline.
Comment: This sequence change creates a premature translational stop signal (p.Arg269*) in the EPHB4 gene. It is expected to result in an absent or disrupted protein product. Loss-of-function variants in EPHB4 are known to be pathogenic (PMID: 28687708). The frequency data for this variant in the population databases is considered unreliable, as metrics indicate poor data quality at this position in the gnomAD database. This variant has not been reported in the literature in individuals affected with EPHB4-related conditions. ClinVar contains an entry for this variant (Variation ID: 993753). For these reasons, this variant has been classified as Pathogenic.

Blueprint Genetics
Classification: Likely pathogenic for EPHB4-related disorders. Last evaluated: 2020-10-27. Review status: criteria provided, single submitter. Criteria: ACMG Guidelines, 2015. Collection method: clinical testing. Allele origin: germline. Affected: yes. Observed: 2 variant alleles.

Seattle Children's Hospital Molecular Genetics Laboratory, Seattle Children's Hospital
Classification: Pathogenic. Last evaluated: 2020-08-04. Review status: criteria provided, single submitter. Criteria: ACMG Guidelines, 2015. Collection method: clinical testing. Allele origin: germline. Affected: yes.
Comment: The p.Arg269* variant introduces a premature stop codon in exon 4 of 17 in the EPHB4 gene. This variant has been observed in 2 of 167,874 alleles in the Genome Aggregation Database (GRCh37 chr7:g.100419896G>A; v2.1.1). This variant has not been reported in the medical literature or patient-specific databases. While this variant has not been previously reported as pathogenic, loss-of-function variants affecting EPHB4 is a known mechanism of disease associated with CM-AVM2 (NBK52764).

ARUP Laboratories, Molecular Genetics and Genomics, ARUP Laboratories
Classification: Pathogenic. Last evaluated: 2019-09-06. Review status: criteria provided, single submitter. Criteria: ARUP Molecular Germline Variant Investigation Process. Collection method: clinical testing. Allele origin: germline.
Comment: The EPHB4 c.805C>T; p.Arg269Ter variant (rs1049858988), to our knowledge, is not reported in the medical literature or gene specific databases. This variant is only observed on two alleles in the Genome Aggregation Database, indicating it is not a common polymorphism. This variant induces an early termination codon and is predicted to result in a truncated protein or mRNA subject to nonsense-mediated decay. EPHB4 loss-of-function is an established mechanism of disease, and downstream truncating variants have been observed in individuals with vascular malformations and are considered pathogenic (Amyere 2017, Wooderchak-Donahue 2019). Based on available information, the p.Arg269Ter variant is considered to be pathogenic. REFERENCES Amyere M et al. Germline Loss-of-Function Mutations in EPHB4 Cause a Second Form of Capillary Malformation-Arteriovenous Malformation (CM-AVM2) Deregulating RAS-MAPK Signaling. Circulation. 2017 Sep 12;136(11):1037-1048. Wooderchak-Donahue WL et al. Phenotype of CM-AVM2 caused by variants in EPHB4: how much overlap with hereditary hemorrhagic telangiectasia (HHT)? Genet Med. 2019 Feb 14.

Literature cited by the submitters: PubMed 28687708 (cited by Labcorp Genetics (formerly Invitae), Labcorp).